The following is an entry in ClinVar:

ClinVar aggregate classification (germline): Uncertain significance (1 of 4 stars; one submission).

Conditions:
Pontocerebellar hypoplasia, type 14. Identifiers: Orphanet 613274, MedGen C5543322, MONDO:0030258, OMIM 619301.

Submission:

Neuberg Centre For Genomic Medicine, NCGM
Classification: Uncertain significance for Pontocerebellar hypoplasia, type 14. Review status: criteria provided, single submitter. Criteria: ACMG Guidelines, 2015. Collection method: clinical testing. Allele origin: germline. Inheritance: Autosomal recessive inheritance. Affected: yes.
Comment: The observed missense c.188A>C (p.Gln63Pro) variant in PPIL1 gene has not been reported previously as a pathogenic variant nor as a benign variant, to our knowledge. The p.Gln63Pro variant is absent in gnomAD Exomes. This variant has not been submitted to the ClinVar database. Multiple lines of computational evidence (Polyphen - Probably damaging, SIFT – Damaging and Mutation Taster - Disease causing) predict a damaging effect on protein structure and function for this variant. The amino reference acid change at this position on PPIL1 gene is predicted as conserved by GERP++ and PhyloP across 100 vertebrates. The amino acid Gln at position 63 is changed to a Pro changing protein sequence and it might alter its composition and physico-chemical properties. For these reasons, this variant has been classified as Variant of Uncertain Significance (VUS).

NM_016059.5(PPIL1):c.188A>C (p.Gln63Pro)

Gene: PPIL1 (peptidylprolyl isomerase like 1; minus strand). Cytogenetic location: 6p21.2.
Variant type: single nucleotide variant.
Coding change: c.188A>C on transcript NM_016059.5 (MANE Select); coding-DNA position 188, A replaced by C.
Protein change: p.Gln63Pro; replaces glutamine 63 with proline.
Molecular consequence: missense variant.
Genome position (GRCh38, 1-based): chr6:36,871,741, T>G on the plus strand (A>C on the coding strand, the complement: PPIL1 is on the minus strand). VCF-style: chr6-36871741-T-G. GRCh37 (hg19) VCF-style: chr6-36839517-T-G.
Other names: short protein forms Q63P.
Identifiers: ClinVar variation 3377734 (VCV003377734.1).